The following is an entry in ClinVar:

ClinVar aggregate classification (germline): Likely benign. Review status: criteria provided, single submitter (1 of 4 stars). 2 submissions from 2 submitters: Likely benign (1). 1 of the submissions does not count toward it. Last evaluated 2026-05-01.

Conditions:
KDM6B-related disorder. Also called: KDM6B-related condition.

Allele frequency attached by ClinVar (database versions not stated): 1000 Genomes Project 0.00220; 1000 Genomes Project 30x 0.00234; ESP Exome Variant Server 0.00246; gnomAD 0.00251.
gnomAD v4.1: 781 of 1,612,382 alleles (0.048%); highest among the groups gnomAD compares: African/African-American, 0.89%; 7 homozygotes.

Submissions (2):

CeGaT Center for Human Genetics Tuebingen
Classification: Likely benign. Last evaluated: 2026-05-01. Review status: criteria provided, single submitter. Criteria: CeGaT Center For Human Genetics Tuebingen Variant Classification Criteria Version 2. Collection method: clinical testing. Allele origin: germline. Affected: yes. Observed: 4 variant alleles.
Comment: KDM6B: BP4, BS1

PreventionGenetics, part of Exact Sciences
Classification: Likely benign for KDM6B-related condition. Last evaluated: 2019-02-19. Review status: no assertion criteria provided. Collection method: clinical testing. Allele origin: germline. Not counted in ClinVar's aggregate classification.
Comment: This variant is classified as likely benign based on ACMG/AMP sequence variant interpretation guidelines (Richards et al. 2015 PMID: 25741868, with internal and published modifications).

NM_001348716.2(KDM6B):c.3440+8G>A

Gene: KDM6B (lysine demethylase 6B; plus strand). Cytogenetic location: 17p13.1.
Variant type: single nucleotide variant.
Coding change: c.3440+8G>A on transcript NM_001348716.2 (MANE Select); 8 bases into the intron after coding-DNA position 3440, G replaced by A.
Molecular consequence: intron variant.
Genome position (GRCh38, 1-based): chr17:7,849,736, G>A. VCF-style: chr17-7849736-G-A. GRCh37 (hg19) VCF-style: chr17-7753054-G-A.
Other names: c.3440+8G>A (NM_001080424.2, NM_001080424.1).
Identifiers: ClinVar variation 2647411 (VCV002647411.25), dbSNP rs143261559, ClinGen allele CA8361153.